The following is an entry in ClinVar:

NM_020297.4(ABCC9):c.1320+9A>G

Gene: ABCC9 (ATP binding cassette subfamily C member 9; minus strand). Cytogenetic location: 12p12.1.
Variant type: single nucleotide variant.
Coding change: c.1320+9A>G on transcript NM_020297.4 (MANE Select); 9 bases into the intron after coding-DNA position 1320, A replaced by G.
Molecular consequence: intron variant.
Genome position (GRCh38, 1-based): chr12:21,910,148, T>C on the plus strand (A>G on the coding strand, the complement: ABCC9 is on the minus strand). VCF-style: chr12-21910148-T-C. GRCh37 (hg19) VCF-style: chr12-22063082-T-C.
Other names: c.456+9A>G (NM_001377274.1); c.1320+9A>G (NM_005691.4, NM_001377273.1).
Identifiers: ClinVar variation 1479654 (VCV001479654.8), dbSNP rs2137868165, ClinGen allele CA2573148463.
Genomic context (GRCh38, chr12:21,910,148, plus strand): 5'-AATACATTACTGCTTTTTTTGTTTTATTTCCTCTGCAGACAAAAATCTTACTTATATTTA[T>C]CTACCTACCTGAACAGGCATAGCCCATAGATTGGGACACAGGAACAAAAACCACATGAGT-3'

ClinVar aggregate classification (germline): Uncertain significance (1 of 4 stars; one submission).

Conditions:
Dilated cardiomyopathy 1O (CMD1O). Also called: CARDIOMYOPATHY, DILATED, WITH VENTRICULAR TACHYCARDIA. Identifiers: Orphanet 154, MedGen C1837839, MONDO:0012062, OMIM 608569.

Allele frequency attached by ClinVar (database versions not stated): gnomAD exomes below 0.00001.
gnomAD v4.1: 1 of 1,606,680 alleles (0.000062%); highest among the groups gnomAD compares: Non-Finnish European, 0.000085%; no homozygotes.

Submission:

Labcorp Genetics (formerly Invitae), Labcorp
Classification: Uncertain significance for Dilated cardiomyopathy 1O. Last evaluated: 2022-03-23. Review status: criteria provided, single submitter. Criteria: Invitae Variant Classification Sherloc (09022015). Collection method: clinical testing. Allele origin: germline.
Comment: This sequence change falls in intron 8 of the ABCC9 gene. It does not directly change the encoded amino acid sequence of the ABCC9 protein. This variant is not present in population databases (gnomAD no frequency). Algorithms developed to predict the effect of sequence changes on RNA splicing suggest that this variant may create or strengthen a splice site. This variant has not been reported in the literature in individuals affected with ABCC9-related conditions. In summary, the available evidence is currently insufficient to determine the role of this variant in disease. Therefore, it has been classified as a Variant of Uncertain Significance.